The following is an entry in ClinVar:

NM_015425.6(POLR1A):c.4177G>A (p.Asp1393Asn)

Gene: POLR1A (RNA polymerase I subunit A; minus strand). Cytogenetic location: 2p11.2.
Variant type: single nucleotide variant.
Coding change: c.4177G>A on transcript NM_015425.6 (MANE Select); coding-DNA position 4177, G replaced by A.
Protein change: p.Asp1393Asn; replaces aspartic acid 1393 with asparagine.
Molecular consequence: missense variant.
Genome position (GRCh38, 1-based): chr2:86,032,367, C>T on the plus strand (G>A on the coding strand, the complement: POLR1A is on the minus strand). VCF-style: chr2-86032367-C-T. GRCh37 (hg19) VCF-style: chr2-86259490-C-T.
Other names: short protein forms D1393N.
Identifiers: ClinVar variation 1504447 (VCV001504447.8), dbSNP rs1166638453, ClinGen allele CA347548191.

ClinVar aggregate classification (germline): Uncertain significance (1 of 4 stars; one submission).

Allele frequency attached by ClinVar (database versions not stated): gnomAD exomes below 0.00001.
gnomAD v4.1: 1 of 1,612,110 alleles (0.000062%); highest among the groups gnomAD compares: Admixed American, 0.0017%; no homozygotes.

Submission:

Labcorp Genetics (formerly Invitae), Labcorp
Classification: Uncertain significance. Last evaluated: 2024-07-08. Review status: criteria provided, single submitter. Criteria: Invitae Variant Classification Sherloc (09022015). Collection method: clinical testing. Allele origin: germline.
Comment: This sequence change replaces aspartic acid, which is acidic and polar, with asparagine, which is neutral and polar, at codon 1393 of the POLR1A protein (p.Asp1393Asn). This variant is not present in population databases (gnomAD no frequency). This variant has not been reported in the literature in individuals affected with POLR1A-related conditions. ClinVar contains an entry for this variant (Variation ID: 1504447). Advanced modeling of protein sequence and biophysical properties (such as structural, functional, and spatial information, amino acid conservation, physicochemical variation, residue mobility, and thermodynamic stability) performed at Invitae indicates that this missense variant is not expected to disrupt POLR1A protein function with a negative predictive value of 80%. In summary, the available evidence is currently insufficient to determine the role of this variant in disease. Therefore, it has been classified as a Variant of Uncertain Significance.